The following is an entry in ClinVar:

NM_000264.5(PTCH1):c.1636G>A (p.Ala546Thr)

Gene: PTCH1 (patched 1; minus strand). Cytogenetic location: 9q22.32.
Variant type: single nucleotide variant.
Coding change: c.1636G>A on transcript NM_000264.5 (MANE Select); coding-DNA position 1636, G replaced by A.
Protein change: p.Ala546Thr; replaces alanine 546 with threonine.
Molecular consequence: missense variant. On other transcripts: non-coding transcript variant (1).
Genome position (GRCh38, 1-based): chr9:95,476,126, C>T on the plus strand (G>A on the coding strand, the complement: PTCH1 is on the minus strand). VCF-style: chr9-95476126-C-T. GRCh37 (hg19) VCF-style: chr9-98238408-C-T.
Other names: c.1438G>A, p.Ala480Thr (NM_001083602.3); c.1633G>A, p.Ala545Thr (NM_001083603.3); c.1183G>A, p.Ala395Thr (NM_001083604.3, NM_001083605.3, NM_001083606.3 and 1 more transcripts); c.1480G>A, p.Ala494Thr (NM_001354918.2); short protein forms A480T, A546T, A395T, A494T, A545T.
Identifiers: ClinVar variation 2701221 (VCV002701221.5), dbSNP rs2118257796, ClinGen allele CA374118060.

ClinVar aggregate classification (germline): Uncertain significance. Review status: criteria provided, multiple submitters, no conflicts (2 of 4 stars). 2 submissions from 2 submitters: Uncertain significance (2). Last evaluated 2023-12-06.

Conditions:
Gorlin syndrome. Also called: Basal cell nevus syndrome; Nevoid Basal Cell Carcinoma Syndrome. Identifiers: Orphanet 377, MedGen C0004779, MONDO:0007187.
Basal cell carcinoma, susceptibility to, 1. Also called: BCC1. Identifiers: MedGen C2751544, MONDO:0011556, OMIM 605462.
Holoprosencephaly 7 (HPE7). Identifiers: Orphanet 2162, MedGen C1835820, MONDO:0012562, OMIM 610828.
Basal cell nevus syndrome 1 (BCNS1). Also called: GORLIN-GOLTZ SYNDROME; MULTIPLE BASAL CELL NEVI, ODONTOGENIC KERATOCYSTS, AND SKELETAL ANOMALIES. Identifiers: MedGen CN376810, MONDO:0958174, OMIM 109400.

Submissions (2):

Labcorp Genetics (formerly Invitae), Labcorp
Classification: Uncertain significance for Gorlin syndrome. Last evaluated: 2023-12-06. Review status: criteria provided, single submitter. Criteria: Invitae Variant Classification Sherloc (09022015). Collection method: clinical testing. Allele origin: germline.
Comment: This sequence change replaces alanine, which is neutral and non-polar, with threonine, which is neutral and polar, at codon 546 of the PTCH1 protein (p.Ala546Thr). This variant is not present in population databases (gnomAD no frequency). This variant has not been reported in the literature in individuals affected with PTCH1-related conditions. Advanced modeling of protein sequence and biophysical properties (such as structural, functional, and spatial information, amino acid conservation, physicochemical variation, residue mobility, and thermodynamic stability) performed at Invitae indicates that this missense variant is not expected to disrupt PTCH1 protein function with a negative predictive value of 95%. In summary, the available evidence is currently insufficient to determine the role of this variant in disease. Therefore, it has been classified as a Variant of Uncertain Significance.

Juno Genomics, Hangzhou Juno Genomics, Inc
Classification: Uncertain significance for Basal cell nevus syndrome 1; Basal cell carcinoma, susceptibility to, 1; Holoprosencephaly 7. Review status: criteria provided, single submitter. Criteria: ACMG Guidelines, 2015. Collection method: clinical testing. Allele origin: germline.
Comment: Absent from controls (or at extremely low frequency if recessive) in Genome Aggregation Database.;Missense variant in a gene that has a low rate of benign missense variation.